The following is an entry in ClinVar:

NM_182961.4(SYNE1):c.5049G>T (p.Met1683Ile)

Gene: SYNE1 (spectrin repeat containing nuclear envelope protein 1; minus strand). Cytogenetic location: 6q25.2.
Variant type: single nucleotide variant.
Coding change: c.5049G>T on transcript NM_182961.4 (MANE Select); coding-DNA position 5049, G replaced by T.
Protein change: p.Met1683Ile; replaces methionine 1683 with isoleucine.
Molecular consequence: missense variant.
Genome position (GRCh38, 1-based): chr6:152,427,744, C>A on the plus strand (G>T on the coding strand, the complement: SYNE1 is on the minus strand). VCF-style: chr6-152427744-C-A. GRCh37 (hg19) VCF-style: chr6-152748879-C-A.
Other names: p.Met1690Ile; c.5070G>T, p.Met1690Ile (NM_033071.5); short protein forms M1690I, M1683I.
Identifiers: ClinVar variation 282318 (VCV000282318.18), dbSNP rs755866233, ClinGen allele CA4058389.

ClinVar aggregate classification (germline): Conflicting classifications of pathogenicity. Review status: criteria provided, conflicting classifications (1 of 4 stars). 8 submissions from 7 submitters: Uncertain significance (7); Likely benign (1). Last evaluated 2024-11-01.

Conditions:
Autosomal recessive ataxia, Beauce type. Also called: Spinocerebellar ataxia, autosomal recessive 8; ATAXIA, RECESSIVE, OF BEAUCE; SYNE1-Related Autosomal Recessive Cerebellar Ataxia; SYNE1 Deficiency. Identifiers: Orphanet 88644, MedGen C1853116, MONDO:0012549, OMIM 610743.
Emery-Dreifuss muscular dystrophy 4, autosomal dominant (EDMD4). Also called: EMERY-DREIFUSS MUSCULAR DYSTROPHY 4 WITH VARIABLE FEATURES. Identifiers: Orphanet 261, MedGen C2751807, MONDO:0013071, OMIM 612998.

Allele frequency attached by ClinVar (database versions not stated): gnomAD exomes 0.00004 and 0.00007; ExAC 0.00005; gnomAD 0.00006; TOPMed 0.00009.

Submissions (8):

Revvity Omics, Revvity
Classification: Uncertain significance. Last evaluated: 2024-11-01. Review status: criteria provided, single submitter. Criteria: ACMG Guidelines, 2015. Collection method: clinical testing. Allele origin: germline.

Athena Diagnostics
Classification: Uncertain significance. Last evaluated: 2023-10-12. Review status: criteria provided, single submitter. Criteria: Athena Diagnostics Criteria. Collection method: clinical testing. Allele origin: unknown.
Comment: Available data are insufficient to determine the clinical significance of the variant at this time. The frequency of this variant in the general population is uninformative in assessment of its pathogenicity. Computational tools predict that this variant is not damaging.

GeneDx
Classification: Uncertain significance. Last evaluated: 2023-07-24. Review status: criteria provided, single submitter. Criteria: GeneDx Variant Classification Process June 2021. Collection method: clinical testing. Allele origin: germline. Affected: yes.
Comment: In silico analysis supports that this missense variant does not alter protein structure/function; Has not been previously published as pathogenic or benign to our knowledge

Mayo Clinic Laboratories, Mayo Clinic
Classification: Uncertain significance. Last evaluated: 2023-05-25. Review status: criteria provided, single submitter. Criteria: ACMG Guidelines, 2015. Collection method: clinical testing. Allele origin: germline. Observed: 1 variant allele.
Comment: BP4, PM2

Labcorp Genetics (formerly Invitae), Labcorp
Classification: Uncertain significance for Emery-Dreifuss muscular dystrophy 4, autosomal dominant; Autosomal recessive ataxia, Beauce type. Last evaluated: 2022-01-10. Review status: criteria provided, single submitter. Criteria: Invitae Variant Classification Sherloc (09022015). Collection method: clinical testing. Allele origin: germline.
Comment: This sequence change replaces methionine, which is neutral and non-polar, with isoleucine, which is neutral and non-polar, at codon 1690 of the SYNE1 protein (p.Met1690Ile). This variant is present in population databases (rs755866233, gnomAD 0.006%). This variant has not been reported in the literature in individuals affected with SYNE1-related conditions. ClinVar contains an entry for this variant (Variation ID: 282318). Algorithms developed to predict the effect of missense changes on protein structure and function (SIFT, PolyPhen-2, Align-GVGD) all suggest that this variant is likely to be tolerated. In summary, the available evidence is currently insufficient to determine the role of this variant in disease. Therefore, it has been classified as a Variant of Uncertain Significance.

Eurofins Ntd Llc (ga)
Classification: Uncertain significance. Last evaluated: 2018-07-30. Review status: criteria provided, single submitter. Criteria: EGL ClinVar v180209 classification definitions. Collection method: clinical testing. Allele origin: germline. Observed: 2 variant alleles, 2 heterozygotes.

Illumina Laboratory Services, Illumina
Classification: Likely benign for Emery-Dreifuss muscular dystrophy 4, autosomal dominant. Last evaluated: 2018-01-13. Review status: criteria provided, single submitter. Criteria: ICSL Variant Classification Criteria 13 December 2019. Collection method: clinical testing. Allele origin: germline.
Comment: This variant was observed in the ICSL laboratory as part of a predisposition screen in an ostensibly healthy population. It had not been previously curated by ICSL or reported in the Human Gene Mutation Database (HGMD: prior to June 1st, 2018), and was therefore a candidate for classification through an automated scoring system. Utilizing variant allele frequency, disease prevalence and penetrance estimates, and inheritance mode, an automated score was calculated to assess if this variant is too frequent to cause the disease. Based on the score and internal cut-off values, a variant classified as likely benign is not then subjected to further curation. The score for this variant resulted in a classification of likely benign for this disease.

Illumina Laboratory Services, Illumina
Classification: Uncertain significance for Autosomal recessive ataxia, Beauce type. Last evaluated: 2018-01-13. Review status: criteria provided, single submitter. Criteria: ICSL Variant Classification Criteria 13 December 2019. Collection method: clinical testing. Allele origin: germline.